The following is an entry in ClinVar:

ClinVar aggregate classification (germline): Uncertain significance (1 of 4 stars; one submission).

Conditions:
Neuropathy, hereditary sensory and autonomic, type 2A (HSAN2A). Also called: ACROOSTEOLYSIS, GIACCAI TYPE; ACROOSTEOLYSIS, NEUROGENIC; MORVAN DISEASE; NEUROPATHY, CONGENITAL SENSORY; NEUROPATHY, HEREDITARY SENSORY RADICULAR, AUTOSOMAL RECESSIVE; NEUROPATHY, HEREDITARY SENSORY, TYPE IIA. Identifiers: Orphanet 970, MedGen C2752089, MONDO:0024309, OMIM 201300.
Pseudohypoaldosteronism type 2C (PHA2C). Also called: Pseudohypoaldosteronism Type IIC. Identifiers: Orphanet 757, Orphanet 88940, MedGen C1840391, MONDO:0013778, OMIM 614492.

Submission:

Labcorp Genetics (formerly Invitae), Labcorp
Classification: Uncertain significance for Neuropathy, hereditary sensory and autonomic, type 2A; Pseudohypoaldosteronism type 2C. Last evaluated: 2025-01-14. Review status: criteria provided, single submitter. Criteria: Invitae Variant Classification Sherloc (09022015). Collection method: clinical testing. Allele origin: germline.
Comment: This sequence change replaces serine, which is neutral and polar, with proline, which is neutral and non-polar, at codon 1003 of the WNK1 protein (p.Ser1003Pro). This variant is not present in population databases (gnomAD no frequency). This variant has not been reported in the literature in individuals affected with WNK1-related conditions. Invitae Evidence Modeling of protein sequence and biophysical properties (such as structural, functional, and spatial information, amino acid conservation, physicochemical variation, residue mobility, and thermodynamic stability) indicates that this missense variant is not expected to disrupt WNK1 protein function with a negative predictive value of 95%. In summary, the available evidence is currently insufficient to determine the role of this variant in disease. Therefore, it has been classified as a Variant of Uncertain Significance.

NM_213655.5(WNK1):c.3007T>C (p.Ser1003Pro)

Gene: WNK1 (WNK lysine deficient protein kinase 1; plus strand). Cytogenetic location: 12p13.33.
Variant type: single nucleotide variant.
Coding change: c.3007T>C on transcript NM_213655.5 (MANE Plus Clinical); coding-DNA position 3007, T replaced by C.
Protein change: p.Ser1003Pro; replaces serine 1003 with proline.
Molecular consequence: missense variant. On other transcripts: intron variant (2).
Genome position (GRCh38, 1-based): chr12:868,478, T>C. VCF-style: chr12-868478-T-C. GRCh37 (hg19) VCF-style: chr12-977644-T-C.
Other names: c.2752T>C, p.Ser918Pro (NM_001184985.2); c.2140-2787T>C (NM_018979.4, NM_014823.3); short protein forms S1003P, S918P.
Identifiers: ClinVar variation 3753830 (VCV003753830.2).